The following is an entry in ClinVar:

ClinVar aggregate classification (germline): Pathogenic (1 of 4 stars; one submission).

Conditions:
Familial adenomatous polyposis 1 (FAP1). Also called: FAMILIAL ADENOMATOUS POLYPOSIS 1, ATTENUATED; POLYPOSIS, ADENOMATOUS INTESTINAL. Identifiers: MedGen C2713442, MONDO:0021056, OMIM 175100. Disease mechanism: loss of function.

Submission:

Labcorp Genetics (formerly Invitae), Labcorp
Classification: Pathogenic for Familial adenomatous polyposis 1. Last evaluated: 2016-08-26. Review status: criteria provided, single submitter. Criteria: Invitae Variant Classification Sherloc (09022015). Collection method: clinical testing. Allele origin: germline.
Comment: This sequence change deletes 7 nucleotides from exon 9 of the APC mRNA (c.874_880delTTGAGTT), causing a frameshift at codon 293. This creates a premature translational stop signal (p.Ser293Valfs*10) and is expected to result in an absent or disrupted protein product. While this particular variant has not been reported in the literature, loss-of-function variants in APC are known to be pathogenic (PMID: 20685668, 17963004). For these reasons, this variant has been classified as Pathogenic.

Literature cited by the submitters: PubMed 20685668; PubMed 17963004.

NM_000038.6(APC):c.874_880del (p.Ser293fs)

Gene: APC (APC regulator of Wnt signaling pathway; plus strand). Cytogenetic location: 5q22.2.
Variant type: Deletion.
Coding change: c.874_880del on transcript NM_000038.6 (MANE Select); coding-DNA positions 874 to 880, 7 bases deleted (TTGAGTT; older notation c.874_880delTTGAGTT).
Protein change: p.Ser293fs; shifts the reading frame from serine 293.
Molecular consequence: frameshift variant.
Genome position (GRCh38, 1-based): chr5:112,815,534-112,815,540, TTGAGTT deleted; deleting any 7 consecutive bases within chr5:112,815,531-112,815,540 gives the same sequence; the c. name uses the placement nearest the transcript's 3' end. VCF-style (leftmost placement, unchanged base first): chr5-112815530-TGTTTTGA-T. GRCh37 (hg19) VCF-style: chr5-112151227-TGTTTTGA-T.
Other names: c.874_880del, p.Ser293fs (NM_001127510.3, NM_001354895.2, NM_001354896.2 and 1 more transcripts); c.820_826del, p.Ser275fs (NM_001127511.3); c.904_910del, p.Ser303fs (NM_001354897.2, NM_001354902.2); c.799_805del, p.Ser268fs (NM_001354898.2, NM_001354904.2); c.790_796del, p.Ser265fs (NM_001354899.2); c.697_703del, p.Ser234fs (NM_001354900.2, NM_001354901.2, NM_001354905.2); c.25_31del, p.Ser10fs (NM_001354906.2); short protein forms S265fs, S10fs, S234fs, S268fs, S275fs, S293fs, S303fs.
Identifiers: ClinVar variation 411346 (VCV000411346.46), dbSNP rs1060503263, ClinGen allele CA16611758.